The following is an entry in ClinVar:

ClinVar aggregate classification (germline): Likely benign. Review status: criteria provided, multiple submitters, no conflicts (2 of 4 stars). 5 submissions from 4 submitters: Likely benign (5). Last evaluated 2025-11-10.

Conditions:
Inborn genetic diseases. Identifiers: MedGen C0950123, MeSH D030342.
Developmental and epileptic encephalopathy, 14 (DEE14). Also called: Early infantile epileptic encephalopathy 14. Identifiers: Orphanet 293181, MedGen C3554195, MONDO:0013989, OMIM 614959.
Autosomal dominant nocturnal frontal lobe epilepsy 5. Also called: KCNT1-Related Epilepsy; CILIARY DYSKINESIA, PRIMARY, 28, WITHOUT SITUS INVERSUS; CILIARY DYSKINESIA, PRIMARY, 28, WITH SITUS INVERSUS; Epilepsy, nocturnal frontal lobe, 5. Identifiers: Orphanet 98784, MedGen C3554306, MONDO:0014002, OMIM 615005.

Allele frequency attached by ClinVar (database versions not stated): gnomAD 0.00001; TOPMed 0.00002; ESP Exome Variant Server 0.00008.
gnomAD v4.1: 10 of 1,610,760 alleles (0.00062%); highest among the groups gnomAD compares: Admixed American, 0.0034%; no homozygotes.

Submissions (5):

Labcorp Genetics (formerly Invitae), Labcorp
Classification: Likely benign for Autosomal dominant nocturnal frontal lobe epilepsy 5; Developmental and epileptic encephalopathy, 14. Last evaluated: 2025-11-10. Review status: criteria provided, single submitter. Criteria: Invitae Variant Classification Sherloc (09022015). Collection method: clinical testing. Allele origin: germline.

Genome-Nilou Lab
Classification: Likely benign for Developmental and epileptic encephalopathy, 14. Last evaluated: 2022-03-15. Review status: criteria provided, single submitter. Criteria: ACMG Guidelines, 2015. Collection method: clinical testing. Allele origin: germline. Affected: no.

Genome-Nilou Lab
Classification: Likely benign for Autosomal dominant nocturnal frontal lobe epilepsy 5. Last evaluated: 2022-03-15. Review status: criteria provided, single submitter. Criteria: ACMG Guidelines, 2015. Collection method: clinical testing. Allele origin: germline. Affected: no.

Ambry Genetics
Classification: Likely benign for Inborn genetic diseases. Last evaluated: 2017-12-18. Review status: criteria provided, single submitter. Criteria: Ambry Variant Classification Scheme 2023. Collection method: clinical testing. Allele origin: germline.

GeneDx
Classification: Likely benign. Last evaluated: 2016-05-17. Review status: criteria provided, single submitter. Criteria: GeneDx Variant Classification (06012015). Collection method: clinical testing. Allele origin: germline. Affected: yes.
Comment: This variant is considered likely benign or benign based on one or more of the following criteria: it is a conservative change, it occurs at a poorly conserved position in the protein, it is predicted to be benign by multiple in silico algorithms, and/or has population frequency not consistent with disease.

NM_020822.3(KCNT1):c.1998C>T (p.Ile666=)

Gene: KCNT1 (potassium sodium-activated channel subfamily T member 1; plus strand). Cytogenetic location: 9q34.3.
Variant type: single nucleotide variant.
Coding change: c.1998C>T on transcript NM_020822.3 (MANE Select); coding-DNA position 1998, C replaced by T.
Protein change: p.Ile666=; no amino-acid change (isoleucine 666 retained).
Molecular consequence: synonymous variant.
Genome position (GRCh38, 1-based): chr9:135,771,085, C>T. VCF-style: chr9-135771085-C-T. GRCh37 (hg19) VCF-style: chr9-138662931-C-T.
Other names: c.1863C>T, p.Ile621= (NM_001272003.2).
Identifiers: ClinVar variation 386254 (VCV000386254.13), dbSNP rs368777569, ClinGen allele CA16605746.